The following is an entry in ClinVar:

NM_000138.5(FBN1):c.5066-13dup

Gene: FBN1 (fibrillin 1; minus strand). Cytogenetic location: 15q21.1.
Variant type: Duplication.
Coding change: c.5066-13dup on transcript NM_000138.5 (MANE Select); 13 bases into the intron before coding-DNA position 5066, one base duplicated (A; older notation c.5066-13dupA).
Molecular consequence: intron variant.
Genome position (GRCh38, 1-based): chr15:48,463,253, T duplicated on the plus strand (A on the coding strand, the reverse complement: FBN1 is on the minus strand). VCF-style (leftmost placement, unchanged base first): chr15-48463252-G-GT. GRCh37 (hg19) VCF-style: chr15-48755449-G-GT.
Identifiers: ClinVar variation 927519 (VCV000927519.12), dbSNP rs774517414, ClinGen allele CA7547914.
Genomic context (GRCh38, chr15:48,463,252, plus strand): 5'-GTCTGGTTGTCAGCATAGTAGTTTCTGTAGCACAAACTTCTTCTCATATCTAGAAGGGAG[G>GT]TAAAAAAAAGGATTGGAGGGTTGGTGATGCCATGTGGGAAATCACAACAAATTTCTAAGT-3'

ClinVar aggregate classification (germline): Likely benign. Review status: criteria provided, multiple submitters, no conflicts (2 of 4 stars). 4 submissions from 4 submitters: Likely benign (4). Last evaluated 2025-12-29.

Conditions:
Familial thoracic aortic aneurysm and aortic dissection (TAAD). Also called: Thoracic aortic aneurysms and dissections. Identifiers: Orphanet 91387, MedGen C4707243, MONDO:0019625.
Marfan syndrome (MFS). Also called: Marfan syndrome, classic; Marfan syndrome type 1; Marfan's syndrome; FBN1-Related Marfan Syndrome; MARFAN SYNDROME, TYPE I. Identifiers: Orphanet 284963, Orphanet 558, MedGen C0024796, MONDO:0007947, OMIM 154700.

Allele frequency attached by ClinVar (database versions not stated): TOPMed 0.00009; ExAC 0.00006; gnomAD 0.00006; gnomAD exomes 0.00002 and 0.00005; ESP Exome Variant Server 0.00024.

Submissions (4):

Labcorp Genetics (formerly Invitae), Labcorp
Classification: Likely benign for Marfan syndrome; Familial thoracic aortic aneurysm and aortic dissection. Last evaluated: 2025-12-29. Review status: criteria provided, single submitter. Criteria: Invitae Variant Classification Sherloc (09022015). Collection method: clinical testing. Allele origin: germline.

Blueprint Genetics
Classification: Likely benign. Last evaluated: 2021-12-01. Review status: criteria provided, single submitter. Criteria: ACMG Guidelines, 2015. Collection method: clinical testing. Allele origin: germline.

Color Diagnostics, LLC DBA Color Health
Classification: Likely benign for Familial thoracic aortic aneurysm and aortic dissection. Last evaluated: 2019-09-30. Review status: criteria provided, single submitter. Criteria: ACMG Guidelines, 2015. Collection method: clinical testing. Allele origin: germline.

GeneDx
Classification: Likely benign. Last evaluated: 2019-06-25. Review status: criteria provided, single submitter. Criteria: GeneDx Variant Classification Process June 2021. Collection method: clinical testing. Allele origin: germline. Affected: yes.
Comment: See Variant Classification Assertion Criteria.